The following is an entry in ClinVar:

NM_001034853.2(RPGR):c.101del (p.Asn34fs)

Gene: RPGR (retinitis pigmentosa GTPase regulator; minus strand). Cytogenetic location: Xp11.4.
Variant type: Deletion.
Coding change: c.101del on transcript NM_001034853.2 (MANE Select); coding-DNA position 101, one base deleted (A; older notation c.101delA).
Protein change: p.Asn34fs; shifts the reading frame from asparagine 34.
Molecular consequence: frameshift variant. On other transcripts: non-coding transcript variant (6).
Genome position (GRCh38, 1-based): chrX:38,323,452, T deleted on the plus strand (A on the coding strand, the reverse complement: RPGR is on the minus strand); the first of 5 consecutive T bases (chrX:38,323,452-38,323,456); deleting any one gives the same sequence. VCF-style (leftmost placement, unchanged base first): chrX-38323451-AT-A. GRCh37 (hg19) VCF-style: chrX-38182704-AT-A.
Other names: NM_001034853.2(RPGR):c.101del; p.Asn34fs; c.101del (NM_000328.2); c.101del, p.Asn34fs (NM_000328.3, NM_001367245.1, NM_001367246.1 and 4 more transcripts); c.131del, p.Asn44fs (NM_001367248.1); short protein forms N34fs, N44fs.
Identifiers: ClinVar variation 98815 (VCV000098815.9), dbSNP rs281865295, ClinGen allele CA226467.
Genomic context (GRCh38, chrX:38,323,451, plus strand): 5'-ATACTAACCGGTAACAACAGCAGAATGTTCATCTCCACATGAAAGATGTACAGGGACATC[AT>A]TTTTAAACCAGAATTTACCGGGATTATTTTCAGCAAATTTACTTTTCCCAAATGTAAACA-3'

ClinVar aggregate classification (germline): Pathogenic. Review status: reviewed by expert panel (3 of 4 stars). 4 submissions from 4 submitters: Pathogenic (1). 3 of the submissions do not count toward it. Last evaluated 2026-11-20.

Conditions:
RPGR-related retinopathy. Also called: RPGR retinopathy. Identifiers: MedGen CN305589, MONDO:0100437.
RPGR-related disorder. Also called: RPGR-related condition.
Primary ciliary dyskinesia. Also called: Ciliary dyskinesia. Identifiers: Orphanet 244, MedGen C0008780, MONDO:0016575, HP:0012265.

Submissions (4):

ClinGen X-linked Inherited Retinal Disease Variant Curation Expert Panel, ClinGen
Classification: Pathogenic for RPGR-related retinopathy. Last evaluated: 2026-11-20. Review status: reviewed by expert panel. Criteria: ClinGen X LinkedIRD ACMG Specifications RPGR V1.0.0. Collection method: curation. Allele origin: germline. Inheritance: X-linked inheritance.
Comment: The NM_001034853.2(RPGR):c.101del variant is a frameshift variant caused by a one-nucleotide deletion, introducing a premature stop codon in exon 2 of 15, predicted to trigger nonsense-mediated decay. This variant is absent from hemizygous individuals in gnomAD v4.1.2 (PM2_Supporting). The NM_001034853.2(RPGR):c.101del variant is a frameshift variant that introduces a premature stop codon between amino acids 1 and 1132 that is predicted to either trigger nonsense-mediated decay or to disrupt a critical C-terminal region required for proper glutamylation of RPGR (PVS1, PMID: 36445968). This variant has been reported in at least 1 proband meeting the PS4 requirement of a male with some functional vision impairment by age 30 and/or decreased or absent ERG responses, or a female with functional visual abnormality and documentation of a male relative affected with retinitis pigmentosa (PMIDs: 21857984, 11180598, 31953110). PS4_Supporting requires at least 2 unrelated probands, so this criterion was not met. The variant has been reported to segregate through at least 3 meioses in 1 family (PP1_Moderate; PMID: 11180598). In summary, this variant is classified as Pathogenic for RPGR-related retinopathy based on the ClinGen X-linked Inherited Retinal Disease Expert Panel Specifications to the ACMG/AMP Variant Interpretation Guidelines for RPGR, Version 1.0.0, using the following evidence codes: PVS1, PM2_Supporting, and PP1_Moderate.

Labcorp Genetics (formerly Invitae), Labcorp
Classification: Pathogenic for Primary ciliary dyskinesia. Last evaluated: 2025-06-24. Review status: criteria provided, single submitter. Criteria: Invitae Variant Classification Sherloc (09022015). Collection method: clinical testing. Allele origin: germline. Not counted in ClinVar's aggregate classification.
Comment: This sequence change creates a premature translational stop signal (p.Asn34Metfs*34) in the RPGR gene. It is expected to result in an absent or disrupted protein product. Loss-of-function variants in RPGR are known to be pathogenic (PMID: 16055928, 16969763). This variant is not present in population databases (gnomAD no frequency). This premature translational stop signal has been observed in individual(s) with retinitis pigmentosa (PMID: 11180598, 31953110). This variant is also known as 160delA. ClinVar contains an entry for this variant (Variation ID: 98815). For these reasons, this variant has been classified as Pathogenic.

Blueprint Genetics
Classification: Pathogenic for RPGR-related disorders. Last evaluated: 2022-07-28. Review status: criteria provided, single submitter. Criteria: ACMG Guidelines, 2015. Collection method: clinical testing. Allele origin: germline. Affected: yes. Observed: 3 variant alleles. Not counted in ClinVar's aggregate classification.

Retina International
No classification provided. Review status: no classification provided. Collection method: not provided. Allele origin: not provided. Not counted in ClinVar's aggregate classification.

Literature cited by the submitters: PubMed 16055928 (cited by Labcorp Genetics (formerly Invitae), Labcorp); PubMed 16969763 (cited by Labcorp Genetics (formerly Invitae), Labcorp); PubMed 11180598 (cited by Labcorp Genetics (formerly Invitae), Labcorp); PubMed 31953110 (cited by Labcorp Genetics (formerly Invitae), Labcorp).